The following is an entry in ClinVar:

ClinVar aggregate classification (germline): Likely benign (1 of 4 stars; one submission).

Conditions:
RAF1-related disorder. Also called: RAF1-related disorders; RAF1-related condition.

Submission:

PreventionGenetics, part of Exact Sciences
Classification: Likely benign for RAF1-related condition. Last evaluated: 2025-04-29. Review status: criteria provided, single submitter. Criteria: ACMG Guidelines, 2015. Collection method: clinical testing. Allele origin: germline.
Comment: This variant is classified as likely benign based on ACMG/AMP sequence variant interpretation guidelines (Richards et al. 2015 PMID: 25741868, with internal and published modifications).

NM_002880.4(RAF1):c.427C>A (p.Arg143=)

Gene: RAF1 (Raf-1 proto-oncogene, serine/threonine kinase; minus strand). Cytogenetic location: 3p25.2.
Variant type: single nucleotide variant.
Coding change: c.427C>A on transcript NM_002880.4 (MANE Select); coding-DNA position 427, C replaced by A.
Protein change: p.Arg143=; no amino-acid change (arginine 143 retained).
Molecular consequence: synonymous variant. On other transcripts: non-coding transcript variant (3).
Genome position (GRCh38, 1-based): chr3:12,608,920, G>T on the plus strand (C>A on the coding strand, the complement: RAF1 is on the minus strand). VCF-style: chr3-12608920-G-T. GRCh37 (hg19) VCF-style: chr3-12650419-G-T.
Other names: c.427C>A, p.Arg143= (NM_001354689.3, NM_001354690.3, NM_001354693.3); c.184C>A, p.Arg62= (NM_001354691.3, NM_001354692.3, NM_001354694.3 and 1 more transcripts).
Identifiers: ClinVar variation 5002534 (VCV005002534.1).